The following is an entry in ClinVar:

ClinVar aggregate classification (germline): Uncertain significance. Review status: criteria provided, multiple submitters, no conflicts (2 of 4 stars). 2 submissions from 2 submitters: Uncertain significance (2). Last evaluated 2022-05-27.

Conditions:
Waardenburg syndrome type 2E (WS2E). Also called: HYPOGONADOTROPIC HYPOGONADISM WITH ANOSMIA AND DEAFNESS, WITH OR WITHOUT HYPOPIGMENTATION; WAARDENBURG SYNDROME, TYPE 2E, WITH OR WITHOUT NEUROLOGIC INVOLVEMENT; WS2E, WITH OR WITHOUT NEUROLOGIC INVOLVEMENT. Identifiers: Orphanet 3440, MedGen C2700405, MONDO:0012698, OMIM 611584.
PCWH syndrome. Also called: WAARDENBURG-SHAH SYNDROME, NEUROLOGIC VARIANT. Identifiers: Orphanet 163746, MedGen C1836727, MONDO:0012198, OMIM 609136.
Waardenburg syndrome type 4C (WS4C). Also called: WAARDENBURG SYNDROME WITH HIRSCHSPRUNG DISEASE, TYPE 4C. Identifiers: Orphanet 897, MedGen C2750452, MONDO:0013202, OMIM 613266.

Submissions (2):

Clinical Genetics Laboratory, Skane University Hospital Lund
Classification: Uncertain significance. Last evaluated: 2022-05-27. Review status: criteria provided, single submitter. Criteria: ACMG Guidelines, 2015. Collection method: clinical testing. Allele origin: germline. Affected: yes.

Juno Genomics, Hangzhou Juno Genomics, Inc
Classification: Uncertain significance for PCWH syndrome; Waardenburg syndrome type 2E; Waardenburg syndrome type 4C. Review status: criteria provided, single submitter. Criteria: ACMG Guidelines, 2015. Collection method: clinical testing. Allele origin: germline. Affected: yes.
Comment: Absent from controls (or at extremely low frequency if recessive) in Genome Aggregation Database, Exome Sequencing Project, 1000 Genomes Project, or Exome Aggregation Consortium.;Multiple lines of computational evidence support a deleterious effect on the gene or gene product (conservation, evolutionary, splicing impact, etc).

NM_006941.4(SOX10):c.394G>C (p.Ala132Pro)

Genes: POLR2F (RNA polymerase II, I and III subunit F; plus strand), SOX10 (SRY-box transcription factor 10; minus strand). Cytogenetic location: 22q13.1.
Variant type: single nucleotide variant.
Coding change: c.394G>C on transcript NM_006941.4 (MANE Select); coding-DNA position 394, G replaced by C.
Protein change: p.Ala132Pro; replaces alanine 132 with proline.
Molecular consequence: missense variant. On other transcripts: intron variant (3).
Genome position (GRCh38, 1-based): chr22:37,983,391, C>G on the plus strand (G>C on the coding strand, the complement: SOX10 is on the minus strand). VCF-style: chr22-37983391-C-G. GRCh37 (hg19) VCF-style: chr22-38379398-C-G.
Other names: c.*38+11081C>G (NM_001363825.1); c.294-2763C>G (NM_001301130.2); c.293+16221C>G (NM_001301131.2); short protein forms A132P.
Identifiers: ClinVar variation 3337613 (VCV003337613.2).